The following is an entry in ClinVar:

NM_001042492.3(NF1):c.670G>C (p.Val224Leu)

Gene: NF1 (neurofibromin 1; plus strand). Cytogenetic location: 17q11.2.
Variant type: single nucleotide variant.
Coding change: c.670G>C on transcript NM_001042492.3 (MANE Select); coding-DNA position 670, G replaced by C.
Protein change: p.Val224Leu; replaces valine 224 with leucine.
Molecular consequence: missense variant.
Genome position (GRCh38, 1-based): chr17:31,181,725, G>C. VCF-style: chr17-31181725-G-C. GRCh37 (hg19) VCF-style: chr17-29508743-G-C.
Other names: c.670G>C, p.Val224Leu (NM_000267.4, NM_001128147.3); short protein forms V224L.
Identifiers: ClinVar variation 571002 (VCV000571002.6), dbSNP rs1567826116, ClinGen allele CA398989750.

ClinVar aggregate classification (germline): Uncertain significance. Review status: criteria provided, multiple submitters, no conflicts (2 of 4 stars). 2 submissions from 2 submitters: Uncertain significance (2). Last evaluated 2024-12-04.

Conditions:
NF1-related disorder. Also called: NF1-related condition. Identifiers: MedGen CN379171.
Neurofibromatosis, type 1 (NF1). Also called: Peripheral type neurofibromatosis; Neurofibromatosis, type I; NEUROFIBROMATOSIS, TYPE I, SOMATIC; VON RECKLINGHAUSEN DISEASE. Identifiers: Orphanet 636, MedGen C0027831, MONDO:0018975, OMIM 162200. Disease mechanism: loss of function.

Submissions (2):

PreventionGenetics, part of Exact Sciences
Classification: Uncertain significance for NF1-related condition. Last evaluated: 2024-12-04. Review status: criteria provided, single submitter. Criteria: ACMG Guidelines, 2015. Collection method: clinical testing. Allele origin: germline.
Comment: The NF1 c.670G>C variant is predicted to result in the amino acid substitution p.Val224Leu. To our knowledge, this variant has not been reported in the literature or in a large population database (gnomAD), indicating this variant is rare. At this time, the clinical significance of this variant is uncertain due to the absence of conclusive functional and genetic evidence.

Labcorp Genetics (formerly Invitae), Labcorp
Classification: Uncertain significance for Neurofibromatosis, type 1. Last evaluated: 2018-06-07. Review status: criteria provided, single submitter. Criteria: Invitae Variant Classification Sherloc (09022015). Collection method: clinical testing. Allele origin: germline.
Comment: In summary, the available evidence is currently insufficient to determine the role of this variant in disease. Therefore, it has been classified as a Variant of Uncertain Significance. Algorithms developed to predict the effect of missense changes on protein structure and function are either unavailable or do not agree on the potential impact of this missense change (SIFT: "Tolerated"; PolyPhen-2: "Possibly Damaging"; Align-GVGD: "Class C0"). This variant has not been reported in the literature in individuals with NF1-related disease. This variant is not present in population databases (ExAC no frequency). This sequence change replaces valine with leucine at codon 224 of the NF1 protein (p.Val224Leu). The valine residue is highly conserved and there is a small physicochemical difference between valine and leucine.